The following is an entry in ClinVar:

ClinVar aggregate classification (germline): Likely pathogenic (1 of 4 stars; one submission).

gnomAD v4.1: 4 of 1,612,864 alleles (0.00025%); highest among the groups gnomAD compares: Non-Finnish European, 0.00034%; no homozygotes.

Submission:

Labcorp Genetics (formerly Invitae), Labcorp
Classification: Likely pathogenic. Last evaluated: 2023-09-04. Review status: criteria provided, single submitter. Criteria: Invitae Variant Classification Sherloc (09022015). Collection method: clinical testing. Allele origin: germline.
Comment: This sequence change affects a donor splice site in intron 15 of the USH2A gene. It is expected to disrupt RNA splicing. Variants that disrupt the donor or acceptor splice site typically lead to a loss of protein function (PMID: 16199547), and loss-of-function variants in USH2A are known to be pathogenic (PMID: 10729113, 10909849, 20507924, 25649381). This variant is not present in population databases (gnomAD no frequency). This variant has not been reported in the literature in individuals affected with USH2A-related conditions. Algorithms developed to predict the effect of sequence changes on RNA splicing suggest that this variant may disrupt the consensus splice site. In summary, the currently available evidence indicates that the variant is pathogenic, but additional data are needed to prove that conclusively. Therefore, this variant has been classified as Likely Pathogenic.

Literature cited by the submitters: PubMed 16199547; PubMed 10729113; PubMed 10909849; PubMed 20507924; PubMed 25649381.

NM_206933.4(USH2A):c.3157+1G>A

Genes: USH2A (usherin; minus strand), USH2A-AS1 (USH2A antisense RNA 1; plus strand). Cytogenetic location: 1q41.
Variant type: single nucleotide variant.
Coding change: c.3157+1G>A on transcript NM_206933.4 (MANE Select); the canonical splice donor site of the intron after coding-DNA position 3157, G replaced by A.
Molecular consequence: splice donor variant.
Genome position (GRCh38, 1-based): chr1:216,217,386, C>T on the plus strand (G>A on the coding strand, the complement: USH2A is on the minus strand). VCF-style: chr1-216217386-C-T. GRCh37 (hg19) VCF-style: chr1-216390728-C-T.
Other names: c.3157+1G>A (NM_007123.6).
Identifiers: ClinVar variation 2757998 (VCV002757998.3), dbSNP rs2528087320, ClinGen allele CA344862660.
Genomic context (GRCh38, chr1:216,217,386, plus strand): 5'-GAGATGCAGTCCCCTGTATGATGCTGCTTCACACACCAGCACTGAACCAGAGTTCACTTA[C>T]TTTTGCTGCAACCCAATAGATTGTTGACATCCAAGTGGCTTGCACTGGGAACACAAGCAT-3'